The following is an entry in ClinVar:

ClinVar aggregate classification (germline): Likely pathogenic (1 of 4 stars; one submission).

Conditions:
Hereditary cancer-predisposing syndrome. Also called: Neoplastic Syndromes, Hereditary; Hereditary neoplastic syndrome; Tumor predisposition; Hereditary Cancer Syndrome. Identifiers: Orphanet 140162, MedGen C0027672, MeSH D009386, MONDO:0015356.

Submission:

Ambry Genetics
Classification: Likely pathogenic for Hereditary cancer-predisposing syndrome. Last evaluated: 2024-12-26. Review status: criteria provided, single submitter. Criteria: Ambry Variant Classification Scheme 2023. Collection method: clinical testing. Allele origin: germline.
Comment: The c.2125-910T>G intronic variant results from a T to G substitution 910 nucleotides upstream from coding exon 13 in the ATM gene. This nucleotide position is not well conserved in available vertebrate species. In silico splice site analysis predicts that this alteration will result in the creation or strengthening of a novel splice donor site. RNA studies have demonstrated that this alteration results in abnormal splicing in the set of samples tested (Ambry internal data). Based on the majority of available evidence to date, this variant is likely to be pathogenic.

NM_000051.4(ATM):c.2125-910T>G

Gene: ATM (ATM serine/threonine kinase; plus strand). Cytogenetic location: 11q22.3.
Variant type: single nucleotide variant.
Coding change: c.2125-910T>G on transcript NM_000051.4 (MANE Select); 910 bases into the intron before coding-DNA position 2125, T replaced by G.
Molecular consequence: intron variant.
Genome position (GRCh38, 1-based): chr11:108,255,305, T>G. VCF-style: chr11-108255305-T-G. GRCh37 (hg19) VCF-style: chr11-108126032-T-G.
Other names: c.2125-910T>G (NM_001351834.2).
Identifiers: ClinVar variation 2453924 (VCV002453924.3), dbSNP rs2497337612, ClinGen allele CA2580083297.
Genomic context (GRCh38, chr11:108,255,305, plus strand): 5'-TTATGATCTTTACTGACATTCTTCTGCACCACAATTGTAACCACTTTCATTACAAAGTAA[T>G]TTAGTTTTGTATATTTTCTCCTAAAATGCCGTTTCCTACCCTGTAGGAACAAAAAAAATC-3'